The following is an entry in ClinVar:

NM_000052.7(ATP7A):c.4356G>T (p.Leu1452Phe)

Gene: ATP7A (ATPase copper transporting alpha; plus strand). Cytogenetic location: Xq21.1.
Variant type: single nucleotide variant.
Coding change: c.4356G>T on transcript NM_000052.7 (MANE Select); coding-DNA position 4356, G replaced by T.
Protein change: p.Leu1452Phe; replaces leucine 1452 with phenylalanine.
Molecular consequence: missense variant. On other transcripts: non-coding transcript variant (1).
Genome position (GRCh38, 1-based): chrX:78,046,423, G>T. VCF-style: chrX-78046423-G-T. GRCh37 (hg19) VCF-style: chrX-77301920-G-T.
Other names: c.4122G>T, p.Leu1374Phe (NM_001282224.2); c.4356G>T (NM_000052.4); short protein forms L1452F, L1374F.
Identifiers: ClinVar variation 2159379 (VCV002159379.2), dbSNP rs782364202, ClinGen allele CA413606244.
Genomic context (GRCh38, chrX:78,046,423, plus strand): 5'-AGAAATCAGCGTTCATGTTGGAATAGATGATACCTCAAGGAATTCTCCTAAACTGGGTTT[G>T]CTGGACCGGATTGTTAATTATAGCAGAGCCTCTATAAACTCACTACTGTCTGATAAACGC-3'
Protein context (NP_000043.4, residues 1442-1462): DTSRNSPKLG[Leu1452Phe]LDRIVNYSRA

ClinVar aggregate classification (germline): Uncertain significance. Review status: criteria provided, multiple submitters, no conflicts (2 of 4 stars). 2 submissions from 2 submitters: Uncertain significance (2). Last evaluated 2024-04-25.

Conditions:
Menkes kinky-hair syndrome (MNK). Also called: Copper transport disease; Menkes Disease; Classic Menkes Disease. Identifiers: Orphanet 565, MedGen C0022716, MONDO:0010651, OMIM 309400.
Cutis laxa, X-linked (OHS). Also called: EDS IX; Occipital horn syndrome. Identifiers: Orphanet 198, MedGen C0268353, MONDO:0010572, OMIM 304150.
X-linked distal spinal muscular atrophy type 3. Also called: SPINAL MUSCULAR ATROPHY, DISTAL, X-LINKED RECESSIVE; NEURONOPATHY, DISTAL HEREDITARY MOTOR, X-LINKED; NEUROPATHY, DISTAL HEREDITARY MOTOR, X-LINKED; ATP7A-Related Distal Motor Neuropathy. Identifiers: Orphanet 139557, MedGen C1845359, MONDO:0010338, OMIM 300489.

gnomAD v4.1: 2 of 1,211,510 alleles (0.00017%); highest among the groups gnomAD compares: Non-Finnish European, 0.00022%; no homozygotes.

Submissions (2):

GeneDx
Classification: Uncertain significance. Last evaluated: 2024-04-25. Review status: criteria provided, single submitter. Criteria: GeneDx Variant Classification Process June 2021. Collection method: clinical testing. Allele origin: germline. Affected: yes.
Comment: Not observed at significant frequency in large population cohorts (gnomAD); In silico analysis indicates that this missense variant does not alter protein structure/function; Has not been previously published as pathogenic or benign to our knowledge

Labcorp Genetics (formerly Invitae), Labcorp
Classification: Uncertain significance for X-linked distal spinal muscular atrophy type 3; Cutis laxa, X-linked; Menkes kinky-hair syndrome. Last evaluated: 2022-04-01. Review status: criteria provided, single submitter. Criteria: Invitae Variant Classification Sherloc (09022015). Collection method: clinical testing. Allele origin: germline.
Comment: This sequence change replaces leucine, which is neutral and non-polar, with phenylalanine, which is neutral and non-polar, at codon 1452 of the ATP7A protein (p.Leu1452Phe). This variant is not present in population databases (gnomAD no frequency). This variant has not been reported in the literature in individuals affected with ATP7A-related conditions. Advanced modeling of protein sequence and biophysical properties (such as structural, functional, and spatial information, amino acid conservation, physicochemical variation, residue mobility, and thermodynamic stability) performed at Invitae indicates that this missense variant is not expected to disrupt ATP7A protein function. In summary, the available evidence is currently insufficient to determine the role of this variant in disease. Therefore, it has been classified as a Variant of Uncertain Significance.